The following is an entry in ClinVar:

ClinVar aggregate classification (germline): Uncertain significance. Review status: criteria provided, multiple submitters, no conflicts (2 of 4 stars). 2 submissions from 2 submitters: Uncertain significance (2). Last evaluated 2023-10-13.

Conditions:
Erythrocytosis, familial, 3 (ECYT3). Identifiers: Orphanet 247511, MedGen C1853286, MONDO:0012353, OMIM 609820.

gnomAD v4.1: 3 of 1,557,766 alleles (0.00019%); highest among the groups gnomAD compares: South Asian, 0.0012%; no homozygotes.

Submissions (2):

Ambry Genetics
Classification: Uncertain significance. Last evaluated: 2023-10-13. Review status: criteria provided, single submitter. Criteria: Ambry Variant Classification Scheme 2023. Collection method: clinical testing. Allele origin: germline.
Comment: The p.R35H variant (also known as c.104G>A), located in coding exon 1 of the EGLN1 gene, results from a G to A substitution at nucleotide position 104. The arginine at codon 35 is replaced by histidine, an amino acid with highly similar properties. This amino acid position is conserved. In addition, the in silico prediction for this alteration is inconclusive. Since supporting evidence is limited at this time, the clinical significance of this alteration remains unclear.

Labcorp Genetics (formerly Invitae), Labcorp
Classification: Uncertain significance for Erythrocytosis, familial, 3. Last evaluated: 2023-01-20. Review status: criteria provided, single submitter. Criteria: Invitae Variant Classification Sherloc (09022015). Collection method: clinical testing. Allele origin: germline.
Comment: This sequence change replaces arginine, which is basic and polar, with histidine, which is basic and polar, at codon 35 of the EGLN1 protein (p.Arg35His). In summary, the available evidence is currently insufficient to determine the role of this variant in disease. Therefore, it has been classified as a Variant of Uncertain Significance. Algorithms developed to predict the effect of missense changes on protein structure and function are either unavailable or do not agree on the potential impact of this missense change (SIFT: "Tolerated"; PolyPhen-2: "Possibly Damaging"; Align-GVGD: "Class C0"). This variant has not been reported in the literature in individuals affected with EGLN1-related conditions. The frequency data for this variant in the population databases is considered unreliable, as metrics indicate poor data quality at this position in the gnomAD database.

NM_022051.3(EGLN1):c.104G>A (p.Arg35His)

Gene: EGLN1 (egl-9 family hypoxia inducible factor 1; minus strand). Cytogenetic location: 1q42.2.
Variant type: single nucleotide variant.
Coding change: c.104G>A on transcript NM_022051.3 (MANE Select); coding-DNA position 104, G replaced by A.
Protein change: p.Arg35His; replaces arginine 35 with histidine.
Molecular consequence: missense variant.
Genome position (GRCh38, 1-based): chr1:231,421,785, C>T on the plus strand (G>A on the coding strand, the complement: EGLN1 is on the minus strand). VCF-style: chr1-231421785-C-T. GRCh37 (hg19) VCF-style: chr1-231557531-C-T.
Other names: c.104G>A (NM_022051.2); c.104G>A, p.Arg35His (NM_001377260.1, NM_001377261.1); short protein forms R35H.
Identifiers: ClinVar variation 2962676 (VCV002962676.4), dbSNP rs1331328829, ClinGen allele CA345239031.
Genomic context (GRCh38, chr1:231,421,785, plus strand): 5'-TTGTGCTTCTTCCAGTCCTGACGCTGGTGCTCCTTGCAGCAGTAGAAGGAGCTGCGGCAG[C>T]GGCTGCAGCGCAGCAGGTTCTCCATCTTCCCGCACAGCTCGCAGTACTGCCGGTCTCGCT-3'
Protein context (NP_071334.1, residues 25-45): GKMENLLRCS[Arg35His]CRSSFYCCKE